The following is an entry in ClinVar:

NM_002878.4(RAD51D):c.974G>A (p.Gly325Asp)

Genes: RAD51D (RAD51 paralog D; minus strand), RAD51L3-RFFL (RAD51L3-RFFL readthrough; minus strand). Cytogenetic location: 17q12.
Variant type: single nucleotide variant.
Coding change: c.974G>A on transcript NM_002878.4 (MANE Select); coding-DNA position 974, G replaced by A.
Protein change: p.Gly325Asp; replaces glycine 325 with aspartic acid.
Molecular consequence: missense variant. On other transcripts: non-coding transcript variant (2).
Genome position (GRCh38, 1-based): chr17:35,100,966, C>T on the plus strand (G>A on the coding strand, the complement: RAD51D is on the minus strand). VCF-style: chr17-35100966-C-T. GRCh37 (hg19) VCF-style: chr17-33427985-C-T.
Other names: c.1034G>A, p.Gly345Asp (NM_001142571.2); c.638G>A, p.Gly213Asp (NM_133629.3); short protein forms G213D, G325D, G345D.
Identifiers: ClinVar variation 1310728 (VCV001310728.2), dbSNP rs2142408660, ClinGen allele CA399086049.

ClinVar aggregate classification (germline): Uncertain significance (1 of 4 stars; one submission).

Submission:

GeneDx
Classification: Uncertain significance. Last evaluated: 2019-11-27. Review status: criteria provided, single submitter. Criteria: GeneDx Variant Classification Process June 2021. Collection method: clinical testing. Allele origin: germline. Affected: yes.
Comment: Not observed in large population cohorts (Lek 2016); In silico analysis, which includes protein predictors and evolutionary conservation, supports that this variant does not alter protein structure/function; Has not been previously published as pathogenic or benign to our knowledge